The following is an entry in ClinVar:

NM_001100913.3(PACS2):c.2491C>T (p.Leu831=)

Gene: PACS2 (phosphofurin acidic cluster sorting protein 2; plus strand). Cytogenetic location: 14q32.33.
Variant type: single nucleotide variant.
Coding change: c.2491C>T on transcript NM_001100913.3 (MANE Select); coding-DNA position 2491, C replaced by T.
Protein change: p.Leu831=; no amino-acid change (leucine 831 retained).
Molecular consequence: synonymous variant.
Genome position (GRCh38, 1-based): chr14:105,393,230, C>T. VCF-style: chr14-105393230-C-T. GRCh37 (hg19) VCF-style: chr14-105859567-C-T.
Other names: c.2221C>T, p.Leu741= (NM_001243127.3); c.2446C>T, p.Leu816= (NM_015197.4).
Identifiers: ClinVar variation 1544113 (VCV001544113.10), dbSNP rs899973248, ClinGen allele CA266584512.

ClinVar aggregate classification (germline): Likely benign. Review status: criteria provided, multiple submitters, no conflicts (2 of 4 stars). 2 submissions from 2 submitters: Likely benign (2). Last evaluated 2026-06-01.

Allele frequency attached by ClinVar (database versions not stated): gnomAD 0.00001; gnomAD exomes 0.00001; TOPMed 0.00001.
gnomAD v4.1: 7 of 1,612,172 alleles (0.00043%); highest among the groups gnomAD compares: Admixed American, 0.0033%; no homozygotes.

Submissions (2):

CeGaT Center for Human Genetics Tuebingen
Classification: Likely benign. Last evaluated: 2026-06-01. Review status: criteria provided, single submitter. Criteria: CeGaT Center For Human Genetics Tuebingen Variant Classification Criteria Version 2. Collection method: clinical testing. Allele origin: germline. Affected: yes. Observed: 1 variant allele.
Comment: PACS2: BP4, BP7

Labcorp Genetics (formerly Invitae), Labcorp
Classification: Likely benign. Last evaluated: 2024-11-13. Review status: criteria provided, single submitter. Criteria: Invitae Variant Classification Sherloc (09022015). Collection method: clinical testing. Allele origin: germline.